The following is an entry in ClinVar:

ClinVar aggregate classification (germline): Uncertain significance (1 of 4 stars; one submission).

Conditions:
Hypertrophic cardiomyopathy. Also called: HYPERTROPHIC MYOCARDIOPATHY. Identifiers: Orphanet 217569, MedGen C0007194, MeSH D002312, MONDO:0005045, HP:0001639.

Submission:

Labcorp Genetics (formerly Invitae), Labcorp
Classification: Uncertain significance for Hypertrophic cardiomyopathy. Last evaluated: 2022-10-26. Review status: criteria provided, single submitter. Criteria: Invitae Variant Classification Sherloc (09022015). Collection method: clinical testing. Allele origin: germline.
Comment: This variant has not been reported in the literature in individuals affected with JPH2-related conditions. This variant is not present in population databases (gnomAD no frequency). This sequence change creates a premature translational stop signal (p.Glu432Aspfs*76) in the JPH2 gene. It is expected to result in an absent or disrupted protein product. However, the current clinical and genetic evidence is not sufficient to establish whether loss-of-function variants in JPH2 cause disease. In summary, the available evidence is currently insufficient to determine the role of this variant in disease. Therefore, it has been classified as a Variant of Uncertain Significance.

NM_020433.5(JPH2):c.1296del (p.Glu432fs)

Gene: JPH2 (junctophilin 2; minus strand). Cytogenetic location: 20q13.12.
Variant type: Deletion.
Coding change: c.1296del on transcript NM_020433.5 (MANE Select); coding-DNA position 1296, one base deleted (A; older notation c.1296delA).
Protein change: p.Glu432fs; shifts the reading frame from glutamic acid 432.
Molecular consequence: frameshift variant.
Genome position (GRCh38, 1-based): chr20:44,116,379, T deleted on the plus strand (A on the coding strand, the reverse complement: JPH2 is on the minus strand); the first of 2 consecutive T bases (chr20:44,116,379-44,116,380); deleting either gives the same sequence. VCF-style (leftmost placement, unchanged base first): chr20-44116378-AT-A. GRCh37 (hg19) VCF-style: chr20-42745018-AT-A.
Other names: short protein forms E432fs.
Identifiers: ClinVar variation 2173827 (VCV002173827.4), dbSNP rs2515718635, ClinGen allele CA2580098207.